The following is an entry in ClinVar:

NM_130839.5(UBE3A):c.1359G>C (p.Glu453Asp)

Genes: SNHG14 (small nucleolar RNA host gene 14; plus strand), UBE3A (ubiquitin protein ligase E3A; minus strand). Cytogenetic location: 15q11.2.
Variant type: single nucleotide variant.
Coding change: c.1359G>C on transcript NM_130839.5 (MANE Select); coding-DNA position 1359, G replaced by C.
Protein change: p.Glu453Asp; replaces glutamic acid 453 with aspartic acid.
Molecular consequence: missense variant. On other transcripts: non-coding transcript variant (1), intron variant (2).
Genome position (GRCh38, 1-based): chr15:25,370,815, C>G on the plus strand (G>C on the coding strand, the complement: UBE3A is on the minus strand). VCF-style: chr15-25370815-C-G. GRCh37 (hg19) VCF-style: chr15-25615962-C-G.
Other names: c.1368G>C, p.Glu456Asp (NM_000462.5); c.1359G>C, p.Glu453Asp (NM_001354505.1, NM_001354538.2, NM_001354545.2); c.1299G>C, p.Glu433Asp (NM_001354506.2, NM_001354507.2, NM_001354508.2 and 17 more transcripts); c.301+4650G>C (NM_001354551.2); c.361+4650G>C (NM_001354550.2); c.1182G>C, p.Glu394Asp (NM_001354546.2); short protein forms E433D, E456D, E453D, E394D.
Identifiers: ClinVar variation 2071607 (VCV002071607.4), dbSNP rs2080195707, ClinGen allele CA391353785.

ClinVar aggregate classification (germline): Uncertain significance (1 of 4 stars; one submission).

Conditions:
Angelman syndrome (AS). Also called: HAPPY PUPPET SYNDROME. Identifiers: Orphanet 72, MedGen C0162635, MONDO:0007113, OMIM 105830. Disease mechanism: loss of function. Inheritance: AS is caused by disruption of maternally imprinted UBE3A located within the 15q11.2-q13 Angelman syndrome/Prader-Willi syndrome (AS/PWS) region., imprinting disorder.

Submission:

Labcorp Genetics (formerly Invitae), Labcorp
Classification: Uncertain significance for Angelman syndrome. Last evaluated: 2022-04-15. Review status: criteria provided, single submitter. Criteria: Invitae Variant Classification Sherloc (09022015). Collection method: clinical testing. Allele origin: germline.
Comment: This variant has not been reported in the literature in individuals affected with UBE3A-related conditions. In summary, the available evidence is currently insufficient to determine the role of this variant in disease. Therefore, it has been classified as a Variant of Uncertain Significance. Algorithms developed to predict the effect of missense changes on protein structure and function output the following: SIFT: "Not Available"; PolyPhen-2: "Benign"; Align-GVGD: "Not Available". The aspartic acid amino acid residue is found in multiple mammalian species, which suggests that this missense change does not adversely affect protein function. This variant is not present in population databases (gnomAD no frequency). This sequence change replaces glutamic acid, which is acidic and polar, with aspartic acid, which is acidic and polar, at codon 433 of the UBE3A protein (p.Glu433Asp).